The following is an entry in ClinVar:

NM_000458.4(HNF1B):c.229G>A (p.Asp77Asn)

Gene: HNF1B (HNF1 homeobox B; minus strand). Cytogenetic location: 17q12.
Variant type: single nucleotide variant.
Coding change: c.229G>A on transcript NM_000458.4 (MANE Select); coding-DNA position 229, G replaced by A.
Protein change: p.Asp77Asn; replaces aspartic acid 77 with asparagine.
Molecular consequence: missense variant.
Genome position (GRCh38, 1-based): chr17:37,744,656, C>T on the plus strand (G>A on the coding strand, the complement: HNF1B is on the minus strand). VCF-style: chr17-37744656-C-T. GRCh37 (hg19) VCF-style: chr17-36104647-C-T.
Other names: c.229G>A, p.Asp77Asn (NM_001165923.4, NM_001304286.2, NM_001411100.1); short protein forms D77N.
Identifiers: ClinVar variation 3338399 (VCV003338399.1).
Genomic context (GRCh38, chr17:37,744,656, plus strand): 5'-CCTGCAGCTCCTTGAGGATGGGAGGTGTGTCATAGTCGTCGCCGTCCTCGGAGCCCTCGT[C>T]GCCGGACAAGCGGCCCTTGGCGTGGCCGTTGGTGAGAGTATGGAAGACCGGCTTGGTGTC-3'
Protein context (NP_000449.1, residues 67-87): NGHAKGRLSG[Asp77Asn]EGSEDGDDYD

ClinVar aggregate classification (germline): Uncertain significance (1 of 4 stars; one submission).

Conditions:
Renal cysts and diabetes syndrome (RCAD). Also called: Familial hypoplastic, glomerulocystic kidney; MATURITY-ONSET DIABETES OF THE YOUNG, TYPE 5. Identifiers: Orphanet 93111, MedGen C0431693, MONDO:0007669, OMIM 137920.

Submission:

MVZ Medizinische Genetik Mainz
Classification: Uncertain significance for Renal cysts and diabetes syndrome. Last evaluated: 2024-08-07. Review status: criteria provided, single submitter. Criteria: UK Practice Guidelines For Variant Classification V4 01 2020. Collection method: clinical testing. Allele origin: germline. Inheritance: Autosomal dominant inheritance. Affected: yes. Observed: 1 variant allele.
Comment: ACMG Criteria: PM2_SUP,PM5_SUP,PP3